The following is an entry in ClinVar:

NM_001282531.3(ADNP):c.1101G>C (p.Lys367Asn)

Gene: ADNP (activity dependent neuroprotector homeobox; minus strand). Cytogenetic location: 20q13.13.
Variant type: single nucleotide variant.
Coding change: c.1101G>C on transcript NM_001282531.3 (MANE Select); coding-DNA position 1101, G replaced by C.
Protein change: p.Lys367Asn; replaces lysine 367 with asparagine.
Molecular consequence: missense variant.
Genome position (GRCh38, 1-based): chr20:50,893,613, C>G on the plus strand (G>C on the coding strand, the complement: ADNP is on the minus strand). VCF-style: chr20-50893613-C-G. GRCh37 (hg19) VCF-style: chr20-49510150-C-G.
Other names: c.1101G>C, p.Lys367Asn (NM_001282532.2, NM_001347511.2, NM_015339.5 and 1 more transcripts); short protein forms K367N.
Identifiers: ClinVar variation 2008070 (VCV002008070.4), dbSNP rs1981057659, ClinGen allele CA408974603.

ClinVar aggregate classification (germline): Uncertain significance (1 of 4 stars; one submission).

Allele frequency attached by ClinVar (database versions not stated): gnomAD exomes below 0.00001.
gnomAD v4.1: 1 of 1,614,164 alleles (0.000062%); highest among the groups gnomAD compares: Non-Finnish European, 0.000085%; no homozygotes.

Submission:

Labcorp Genetics (formerly Invitae), Labcorp
Classification: Uncertain significance. Last evaluated: 2026-01-12. Review status: criteria provided, single submitter. Criteria: Invitae Variant Classification Sherloc (09022015). Collection method: clinical testing. Allele origin: germline.
Comment: This sequence change replaces lysine, which is basic and polar, with asparagine, which is neutral and polar, at codon 367 of the ADNP protein (p.Lys367Asn). This variant is not present in population databases (gnomAD no frequency). This variant has not been reported in the literature in individuals affected with ADNP-related conditions. ClinVar contains an entry for this variant (Variation ID: 2008070). An algorithm developed to predict the effect of missense changes on protein structure and function (PolyPhen-2) suggests that this variant is likely to be disruptive. In summary, the available evidence is currently insufficient to determine the role of this variant in disease. Therefore, it has been classified as a Variant of Uncertain Significance.